The following is an entry in ClinVar:

ClinVar aggregate classification (germline): Likely benign (1 of 4 stars; one submission).

Allele frequency attached by ClinVar (database versions not stated): 1000 Genomes Project 30x 0.00141; 1000 Genomes Project 0.00160; TOPMed 0.00329; ESP Exome Variant Server 0.00431; gnomAD 0.00482; gnomAD exomes 0.00483; ExAC 0.00516.
gnomAD v4.1: 7,734 of 1,614,052 alleles (0.48%); highest among the groups gnomAD compares: Non-Finnish European, 0.54%; 32 homozygotes.

Submission:

CeGaT Center for Human Genetics Tuebingen
Classification: Likely benign. Last evaluated: 2024-09-01. Review status: criteria provided, single submitter. Criteria: CeGaT Center For Human Genetics Tuebingen Variant Classification Criteria Version 2. Collection method: clinical testing. Allele origin: germline. Affected: yes. Observed: 2 variant alleles.
Comment: FRMPD2: BP4, BS2

NM_001018071.4(FRMPD2):c.2312G>A (p.Arg771Gln)

Gene: FRMPD2 (FERM and PDZ domain containing 2; minus strand). Cytogenetic location: 10q11.22.
Variant type: single nucleotide variant.
Coding change: c.2312G>A on transcript NM_001018071.4 (MANE Select); coding-DNA position 2312, G replaced by A.
Protein change: p.Arg771Gln; replaces arginine 771 with glutamine.
Molecular consequence: missense variant.
Genome position (GRCh38, 1-based): chr10:48,185,600, C>T on the plus strand (G>A on the coding strand, the complement: FRMPD2 is on the minus strand). VCF-style: chr10-48185600-C-T. GRCh37 (hg19) VCF-style: chr10-49393643-C-T.
Other names: c.2237G>A, p.Arg746Gln (NM_001318191.1); short protein forms R746Q, R771Q.
Identifiers: ClinVar variation 2640441 (VCV002640441.24), dbSNP rs141722516, ClinGen allele CA5489705.